The following is an entry in ClinVar:

ClinVar aggregate classification (germline): Likely benign. Review status: criteria provided, multiple submitters, no conflicts (2 of 4 stars). 2 submissions from 2 submitters: Likely benign (2). Last evaluated 2024-06-03.

Conditions:
Familial cancer of breast. Also called: BREAST CANCER, FAMILIAL; Hereditary breast cancer; hereditary breast carcinoma. Identifiers: Orphanet 227535, MedGen C0346153, MONDO:0016419, OMIM 114480. Disease mechanism: loss of function.

Submissions (2):

Myriad Genetics, Inc.
Classification: Likely benign for Familial cancer of breast. Last evaluated: 2024-06-03. Review status: criteria provided, single submitter. Criteria: Myriad Autosomal Dominant, Autosomal Recessive and X-Linked Classification Criteria (2023). Collection method: clinical testing. Allele origin: unknown.
Comment: This variant is considered likely benign. This variant is intronic and is not expected to impact mRNA splicing.

GeneDx
Classification: Likely benign. Last evaluated: 2017-04-21. Review status: criteria provided, single submitter. Criteria: GeneDx Variant Classification (06012015). Collection method: clinical testing. Allele origin: germline. Affected: yes.
Comment: This variant is considered likely benign or benign based on one or more of the following criteria: it is a conservative change, it occurs at a poorly conserved position in the protein, it is predicted to be benign by multiple in silico algorithms, and/or has population frequency not consistent with disease.

NM_000051.4(ATM):c.6199-17A>C

Genes: ATM (ATM serine/threonine kinase; plus strand), C11orf65 (chromosome 11 open reading frame 65; minus strand). Cytogenetic location: 11q22.3.
Variant type: single nucleotide variant.
Coding change: c.6199-17A>C on transcript NM_000051.4 (MANE Select); 17 bases into the intron before coding-DNA position 6199, A replaced by C.
Molecular consequence: intron variant.
Genome position (GRCh38, 1-based): chr11:108,317,356, A>C. VCF-style: chr11-108317356-A-C. GRCh37 (hg19) VCF-style: chr11-108188083-A-C.
Other names: c.6199-17A>C (NM_001351834.2); c.641-8285T>G (NM_001330368.2); c.*39-8285T>G (NM_001351110.2).
Identifiers: ClinVar variation 509109 (VCV000509109.4), dbSNP rs1555114516, ClinGen allele CA658797730.